The following is an entry in ClinVar:

NM_020708.5(SLC12A5):c.631A>G (p.Met211Val)

Gene: SLC12A5 (solute carrier family 12 member 5; plus strand). Cytogenetic location: 20q13.12.
Variant type: single nucleotide variant.
Coding change: c.631A>G on transcript NM_020708.5 (MANE Select); coding-DNA position 631, A replaced by G.
Protein change: p.Met211Val; replaces methionine 211 with valine.
Molecular consequence: missense variant.
Genome position (GRCh38, 1-based): chr20:46,040,391, A>G. VCF-style: chr20-46040391-A-G. GRCh37 (hg19) VCF-style: chr20-44669030-A-G.
Other names: c.700A>G, p.Met234Val (NM_001134771.2); short protein forms M234V, M211V.
Identifiers: ClinVar variation 1411268 (VCV001411268.6), dbSNP rs2145487863, ClinGen allele CA409189603.

ClinVar aggregate classification (germline): Uncertain significance (1 of 4 stars; one submission).

Conditions:
Developmental and epileptic encephalopathy, 34 (DEE34). Also called: SLC12A5-Related Epilepsy of Infancy with Migrating Focal Seizures; Early infantile epileptic encephalopathy 34. Identifiers: Orphanet 293181, MedGen C4225257, MONDO:0014718, OMIM 616645.

Allele frequency attached by ClinVar (database versions not stated): gnomAD exomes below 0.00001.
gnomAD v4.1: 1 of 1,614,142 alleles (0.000062%); highest among the groups gnomAD compares: Non-Finnish European, 0.000085%; no homozygotes.

Submission:

Labcorp Genetics (formerly Invitae), Labcorp
Classification: Uncertain significance for Developmental and epileptic encephalopathy, 34. Last evaluated: 2022-11-01. Review status: criteria provided, single submitter. Criteria: Invitae Variant Classification Sherloc (09022015). Collection method: clinical testing. Allele origin: germline.
Comment: This sequence change replaces methionine, which is neutral and non-polar, with valine, which is neutral and non-polar, at codon 211 of the SLC12A5 protein (p.Met211Val). In summary, the available evidence is currently insufficient to determine the role of this variant in disease. Therefore, it has been classified as a Variant of Uncertain Significance. Advanced modeling of protein sequence and biophysical properties (such as structural, functional, and spatial information, amino acid conservation, physicochemical variation, residue mobility, and thermodynamic stability) performed at Invitae indicates that this missense variant is not expected to disrupt SLC12A5 protein function. ClinVar contains an entry for this variant (Variation ID: 1411268). This variant has not been reported in the literature in individuals affected with SLC12A5-related conditions. This variant is not present in population databases (gnomAD no frequency).